The following is an entry in ClinVar:

ClinVar aggregate classification (germline): Benign. Review status: criteria provided, single submitter (1 of 4 stars). 2 submissions from 2 submitters: Benign (1). 1 of the submissions does not count toward it. Last evaluated 2019-04-08.

Conditions:
KIRREL3-related disorder. Also called: KIRREL3-related condition.

Allele frequency attached by ClinVar (database versions not stated): gnomAD exomes 0.00013 and 0.00055; gnomAD 0.00016 and 0.00008; ExAC 0.00054; 1000 Genomes Project 0.00160; 1000 Genomes Project 30x 0.00172; TOPMed 0.00020.
gnomAD v4.1: 232 of 1,613,816 alleles (0.014%); highest among the groups gnomAD compares: East Asian, 0.26%; no homozygotes.

Submissions (2):

Genetic Services Laboratory, University of Chicago
Classification: Benign. Last evaluated: 2019-04-08. Review status: criteria provided, single submitter. Criteria: ACMG Guidelines, 2015. Collection method: clinical testing. Allele origin: germline. Affected: no.

PreventionGenetics, part of Exact Sciences
Classification: Likely benign for KIRREL3-related condition. Last evaluated: 2019-07-01. Review status: no assertion criteria provided. Collection method: clinical testing. Allele origin: germline. Not counted in ClinVar's aggregate classification.
Comment: This variant is classified as likely benign based on ACMG/AMP sequence variant interpretation guidelines (Richards et al. 2015 PMID: 25741868, with internal and published modifications).

NM_032531.4(KIRREL3):c.88G>A (p.Val30Met)

Genes: KIRREL3 (kirre like nephrin family adhesion molecule 3; minus strand), KIRREL3-AS1 (KIRREL3 antisense RNA 1; plus strand). Cytogenetic location: 11q24.2.
Variant type: single nucleotide variant.
Coding change: c.88G>A on transcript NM_032531.4 (MANE Select); coding-DNA position 88, G replaced by A.
Protein change: p.Val30Met; replaces valine 30 with methionine.
Molecular consequence: missense variant.
Genome position (GRCh38, 1-based): chr11:126,562,880, C>T on the plus strand (G>A on the coding strand, the complement: KIRREL3 is on the minus strand). VCF-style: chr11-126562880-C-T. GRCh37 (hg19) VCF-style: chr11-126432775-C-T.
Other names: c.88G>A, p.Val30Met (NM_001161707.2, NM_001301097.2); short protein forms V30M.
Identifiers: ClinVar variation 211309 (VCV000211309.9), dbSNP rs182260035, ClinGen allele CA206009.
Genomic context (GRCh38, chr11:126,562,880, plus strand): 5'-GAGGTTCTCACTGACCTTCATTCATTCTCCGAAACTTGTCCTTGGCCATGTAGCCCAGCA[C>T]CAGACAGCATCCTCTCTTCTGGAGGCCCAGCTCTGGAAGAGAAGCATAGGTGGGTGAGTT-3'
Protein context (NP_115920.1, residues 20-40): LGLQKRGCCL[Val30Met]LGYMAKDKFR